The following is an entry in ClinVar:

ClinVar aggregate classification (germline): Conflicting classifications of pathogenicity. Review status: criteria provided, conflicting classifications (1 of 4 stars). 4 submissions from 4 submitters: Uncertain significance (2); Likely benign (2). Last evaluated 2025-04-11.

Conditions:
Cardiovascular phenotype. Identifiers: MedGen CN230736.
Duchenne muscular dystrophy (DMD). Also called: MUSCULAR DYSTROPHY, PSEUDOHYPERTROPHIC PROGRESSIVE, DUCHENNE TYPE; Duchenne Muscular Dystrophy (DMD). Identifiers: Orphanet 98896, MedGen C0013264, MONDO:0010679, OMIM 310200.

Allele frequency attached by ClinVar (database versions not stated): gnomAD exomes below 0.00001 and 0.00002; gnomAD 0.00002; ExAC 0.00003; TOPMed 0.00003; ESP Exome Variant Server 0.00009.
gnomAD v4.1: 8 of 1,209,459 alleles (0.00066%); highest among the groups gnomAD compares: African/African-American, 0.01%; no homozygotes.

Submissions (4):

Labcorp Genetics (formerly Invitae), Labcorp
Classification: Uncertain significance for Duchenne muscular dystrophy. Last evaluated: 2025-04-11. Review status: criteria provided, single submitter. Criteria: Invitae Variant Classification Sherloc (09022015). Collection method: clinical testing. Allele origin: germline.
Comment: This sequence change replaces aspartic acid, which is acidic and polar, with glycine, which is neutral and non-polar, at codon 1715 of the DMD protein (p.Asp1715Gly). This variant is present in population databases (rs151109270, gnomAD 0.02%). This missense change has been observed in individual(s) with dilated cardiomyopathy (PMID: 2354438). ClinVar contains an entry for this variant (Variation ID: 383204). Invitae Evidence Modeling of protein sequence and biophysical properties (such as structural, functional, and spatial information, amino acid conservation, physicochemical variation, residue mobility, and thermodynamic stability) indicates that this missense variant is not expected to disrupt DMD protein function with a negative predictive value of 95%. In summary, the available evidence is currently insufficient to determine the role of this variant in disease. Therefore, it has been classified as a Variant of Uncertain Significance.

ARUP Laboratories, Molecular Genetics and Genomics, ARUP Laboratories
Classification: Uncertain significance. Last evaluated: 2025-04-02. Review status: criteria provided, single submitter. Criteria: ARUP Molecular Germline Variant Investigation Process 2024. Collection method: clinical testing. Allele origin: germline.
Comment: The DMD c.5144A>G; p.Asp1715Gly variant (rs151109270, ClinVar Variation ID: 383204) is reported in the literature in an individual affected with dilated cardiomyopathy, however, this individual also carried a pathogenic DMD variant that likely explains the phenotype (Feng 2002). This variant is only observed on three alleles in the Genome Aggregation Database (v2.1.1), indicating it is not a common polymorphism. Computational analyses are uncertain whether this variant is neutral or deleterious (REVEL: 0.17). Due to limited information, the clinical significance of this variant is uncertain at this time. References: Feng J et al. Comprehensive mutation scanning of the dystrophin gene in patients with nonsyndromic X-linked dilated cardiomyopathy. J Am Coll Cardiol. 2002 Sep 18;40(6):1120-4. PMID: 12354438.

Ambry Genetics
Classification: Likely benign for Cardiovascular phenotype. Last evaluated: 2024-08-10. Review status: criteria provided, single submitter. Criteria: Ambry Variant Classification Scheme 2023. Collection method: clinical testing. Allele origin: germline.

GeneDx
Classification: Likely benign. Last evaluated: 2016-03-08. Review status: criteria provided, single submitter. Criteria: GeneDx Variant Classification (06012015). Collection method: clinical testing. Allele origin: germline. Affected: yes.
Comment: This variant is considered likely benign or benign based on one or more of the following criteria: it is a conservative change, it occurs at a poorly conserved position in the protein, it is predicted to be benign by multiple in silico algorithms, and/or has population frequency not consistent with disease.

Literature cited by the submitters: PubMed 2354438 (cited by Labcorp Genetics (formerly Invitae), Labcorp); PubMed 12354438 (cited by Ambry Genetics).

NM_004006.3(DMD):c.5144A>G (p.Asp1715Gly)

Gene: DMD (dystrophin; minus strand). Cytogenetic location: Xp21.1.
Variant type: single nucleotide variant.
Coding change: c.5144A>G on transcript NM_004006.3 (MANE Select); coding-DNA position 5144, A replaced by G.
Protein change: p.Asp1715Gly; replaces aspartic acid 1715 with glycine.
Molecular consequence: missense variant.
Genome position (GRCh38, 1-based): chrX:32,364,592, T>C on the plus strand (A>G on the coding strand, the complement: DMD is on the minus strand). VCF-style: chrX-32364592-T-C. GRCh37 (hg19) VCF-style: chrX-32382709-T-C.
Other names: c.5120A>G, p.Asp1707Gly (NM_000109.4); c.5132A>G, p.Asp1711Gly (NM_004009.3); c.4775A>G, p.Asp1592Gly (NM_004010.3); c.1121A>G, p.Asp374Gly (NM_004011.4); c.1112A>G, p.Asp371Gly (NM_004012.4); short protein forms D1715G, D1707G, D1592G, D371G, D374G, D1711G.
Identifiers: ClinVar variation 383204 (VCV000383204.11), dbSNP rs151109270, ClinGen allele CA10378768.